The following is an entry in ClinVar:

ClinVar aggregate classification (germline): Likely benign. Review status: criteria provided, multiple submitters, no conflicts (2 of 4 stars). 2 submissions from 2 submitters: Likely benign (2). Last evaluated 2026-07-01.

Allele frequency attached by ClinVar (database versions not stated): gnomAD exomes below 0.00001 and 0.00001; TOPMed below 0.00001; gnomAD 0.00001; ExAC 0.00002.
gnomAD v4.1: 2 of 1,613,694 alleles (0.00012%); highest among the groups gnomAD compares: Non-Finnish European, 0.00017%; no homozygotes.

Submissions (2):

CeGaT Center for Human Genetics Tuebingen
Classification: Likely benign. Last evaluated: 2026-07-01. Review status: criteria provided, single submitter. Criteria: CeGaT Center For Human Genetics Tuebingen Variant Classification Criteria Version 2. Collection method: clinical testing. Allele origin: germline. Affected: yes. Observed: 1 variant allele.
Comment: DMXL2: BP4, BP7

Labcorp Genetics (formerly Invitae), Labcorp
Classification: Likely benign. Last evaluated: 2025-06-10. Review status: criteria provided, single submitter. Criteria: Invitae Variant Classification Sherloc (09022015). Collection method: clinical testing. Allele origin: germline.

NM_001378457.1(DMXL2):c.981T>G (p.Val327=)

Gene: DMXL2 (Dmx like 2; minus strand). Cytogenetic location: 15q21.2.
Variant type: single nucleotide variant.
Coding change: c.981T>G on transcript NM_001378457.1 (MANE Select); coding-DNA position 981, T replaced by G.
Protein change: p.Val327=; no amino-acid change (valine 327 retained).
Molecular consequence: synonymous variant. On other transcripts: non-coding transcript variant (2).
Genome position (GRCh38, 1-based): chr15:51,542,457, A>C on the plus strand (T>G on the coding strand, the complement: DMXL2 is on the minus strand). VCF-style: chr15-51542457-A-C. GRCh37 (hg19) VCF-style: chr15-51834654-A-C.
Other names: c.981T>G, p.Val327= (NM_001174116.3, NM_001174117.3, NM_001378458.1 and 7 more transcripts).
Identifiers: ClinVar variation 1541985 (VCV001541985.9), dbSNP rs762778607, ClinGen allele CA7562695.